The following is an entry in ClinVar:

ClinVar aggregate classification (germline): Uncertain significance. Review status: criteria provided, multiple submitters, no conflicts (2 of 4 stars). 2 submissions from 2 submitters: Uncertain significance (2). Last evaluated 2025-07-05.

Conditions:
MYOZ2-related disorder. Also called: MYOZ2-related condition.
Hypertrophic cardiomyopathy. Also called: HYPERTROPHIC MYOCARDIOPATHY. Identifiers: Orphanet 217569, MedGen C0007194, MeSH D002312, MONDO:0005045, HP:0001639.

Allele frequency attached by ClinVar (database versions not stated): ExAC 0.00001; gnomAD exomes 0.00001.
gnomAD v4.1: 18 of 1,612,728 alleles (0.0011%); highest among the groups gnomAD compares: Non-Finnish European, 0.0014%; no homozygotes.

Submissions (2):

PreventionGenetics, part of Exact Sciences
Classification: Uncertain significance for MYOZ2-related condition. Last evaluated: 2025-07-05. Review status: criteria provided, single submitter. Criteria: ACMG Guidelines, 2015. Collection method: clinical testing. Allele origin: germline.
Comment: The MYOZ2 c.773T>A variant is predicted to result in the amino acid substitution p.Val258Glu. To our knowledge, this variant has not been reported in the literature. This variant is reported in 0.0018% of alleles in individuals of European (Non-Finnish) descent in gnomAD. At this time, the clinical significance of this variant is uncertain due to the absence of conclusive functional and genetic evidence.

Labcorp Genetics (formerly Invitae), Labcorp
Classification: Uncertain significance for Hypertrophic cardiomyopathy. Last evaluated: 2019-08-23. Review status: criteria provided, single submitter. Criteria: Invitae Variant Classification Sherloc (09022015). Collection method: clinical testing. Allele origin: germline.
Comment: This variant has not been reported in the literature in individuals with MYOZ2-related conditions. This variant is present in population databases (rs760620614, ExAC 0.002%). This sequence change replaces valine with glutamic acid at codon 258 of the MYOZ2 protein (p.Val258Glu). The valine residue is weakly conserved and there is a moderate physicochemical difference between valine and glutamic acid. Algorithms developed to predict the effect of missense changes on protein structure and function are either unavailable or do not agree on the potential impact of this missense change (SIFT: "Deleterious"; PolyPhen-2: "Not Available"; Align-GVGD: "Class C0"). In summary, the available evidence is currently insufficient to determine the role of this variant in disease. Therefore, it has been classified as a Variant of Uncertain Significance.

NM_016599.5(MYOZ2):c.773T>A (p.Val258Glu)

Gene: MYOZ2 (myozenin 2; plus strand). Cytogenetic location: 4q26.
Variant type: single nucleotide variant.
Coding change: c.773T>A on transcript NM_016599.5 (MANE Select); coding-DNA position 773, T replaced by A.
Protein change: p.Val258Glu; replaces valine 258 with glutamic acid.
Molecular consequence: missense variant.
Genome position (GRCh38, 1-based): chr4:119,186,178, T>A. VCF-style: chr4-119186178-T-A. GRCh37 (hg19) VCF-style: chr4-120107333-T-A.
Other names: short protein forms V258E.
Identifiers: ClinVar variation 188142 (VCV000188142.8), dbSNP rs760620614, ClinGen allele CA334154.